The following is an entry in ClinVar:

ClinVar aggregate classification (germline): Benign. Review status: criteria provided, multiple submitters, no conflicts (2 of 4 stars). 6 submissions from 6 submitters: Benign (5). 1 of the submissions does not count toward it. Last evaluated 2026-02-04.

Conditions:
Methylmalonic acidemia with homocystinuria, type cblX (MAHCX). Also called: INTELLECTUAL DEVELOPMENTAL DISORDER, X-LINKED 3. Identifiers: Orphanet 369962, MedGen C0796208, MONDO:0010657, OMIM 309541.
HCFC1-related disorder. Also called: HCFC1-related condition.

Allele frequency attached by ClinVar (database versions not stated): ExAC 0.01514; gnomAD 0.03128 and 0.03363; ESP Exome Variant Server 0.03293; 1000 Genomes Project 0.03470; TOPMed 0.03501; 1000 Genomes Project 30x 0.03538.
gnomAD v4.1: 7,239 of 1,179,184 alleles (0.61%); highest among the groups gnomAD compares: African/African-American, 11%; 293 homozygotes.

Submissions (6):

Labcorp Genetics (formerly Invitae), Labcorp
Classification: Benign for Methylmalonic acidemia with homocystinuria, type cblX. Last evaluated: 2026-02-04. Review status: criteria provided, single submitter. Criteria: Invitae Variant Classification Sherloc (09022015). Collection method: clinical testing. Allele origin: germline.

ARUP Laboratories, Molecular Genetics and Genomics, ARUP Laboratories
Classification: Benign for Methylmalonic acidemia with homocystinuria, type cblX. Last evaluated: 2025-06-03. Review status: criteria provided, single submitter. Criteria: ARUP Molecular Germline Variant Investigation Process 2024. Collection method: clinical testing. Allele origin: germline.

GeneDx
Classification: Benign. Last evaluated: 2016-03-08. Review status: criteria provided, single submitter. Criteria: GeneDx Variant Classification (06012015). Collection method: clinical testing. Allele origin: germline. Affected: yes.
Comment: This variant is considered likely benign or benign based on one or more of the following criteria: it is a conservative change, it occurs at a poorly conserved position in the protein, it is predicted to be benign by multiple in silico algorithms, and/or has population frequency not consistent with disease.

Eurofins Ntd Llc (ga)
Classification: Benign. Last evaluated: 2014-03-19. Review status: criteria provided, single submitter. Criteria: EGL Classification Definitions 2015. Collection method: clinical testing. Allele origin: germline. Observed: 1 variant allele, 1 hemizygote.

Breakthrough Genomics
Classification: Benign. Review status: criteria provided, single submitter. Criteria: ACMG Guidelines, 2015. Collection method: not provided. Allele origin: germline. Inheritance: X-linked inheritance. Affected: yes.

PreventionGenetics, part of Exact Sciences
Classification: Benign for HCFC1-related condition. Last evaluated: 2019-04-11. Review status: no assertion criteria provided. Collection method: clinical testing. Allele origin: germline. Not counted in ClinVar's aggregate classification.
Comment: This variant is classified as benign based on ACMG/AMP sequence variant interpretation guidelines (Richards et al. 2015 PMID: 25741868, with internal and published modifications).

NM_005334.3(HCFC1):c.4545G>A (p.Pro1515=)

Gene: HCFC1 (host cell factor C1; minus strand). Cytogenetic location: Xq28.
Variant type: single nucleotide variant.
Coding change: c.4545G>A on transcript NM_005334.3 (MANE Select); coding-DNA position 4545, G replaced by A.
Protein change: p.Pro1515=; no amino-acid change (proline 1515 retained).
Molecular consequence: synonymous variant.
Genome position (GRCh38, 1-based): chrX:153,952,911, C>T on the plus strand (G>A on the coding strand, the complement: HCFC1 is on the minus strand). VCF-style: chrX-153952911-C-T. GRCh37 (hg19) VCF-style: chrX-153218362-C-T.
Identifiers: ClinVar variation 167165 (VCV000167165.17), dbSNP rs1051153, ClinGen allele CA180101.